The following is an entry in ClinVar:

NM_001458.5(FLNC):c.4136del (p.Gly1379fs)

Gene: FLNC (filamin C; plus strand). Cytogenetic location: 7q32.1.
Variant type: Deletion.
Coding change: c.4136del on transcript NM_001458.5 (MANE Select); coding-DNA position 4136, one base deleted (G; older notation c.4136delG).
Protein change: p.Gly1379fs; shifts the reading frame from glycine 1379.
Molecular consequence: frameshift variant.
Genome position (GRCh38, 1-based): chr7:128,846,753, G deleted; the last of 3 consecutive G bases (chr7:128,846,751-128,846,753); deleting any one gives the same sequence. VCF-style (leftmost placement, unchanged base first): chr7-128846750-CG-C. GRCh37 (hg19) VCF-style: chr7-128486804-CG-C.
Other names: c.4136del, p.Gly1379fs (NM_001127487.2); short protein forms G1379fs.
Identifiers: ClinVar variation 3221727 (VCV003221727.1), dbSNP rs2536643466, ClinGen allele CA2825001531.
Genomic context (GRCh38, chr7:128,846,750, plus strand): 5'-CCCTCATCCTCACTCACTGGTCTTATGAAGCTGATGGGGGGATGTTATCTCTCAGGGGAG[CG>C]GGCACCGGGGGCCTTGGCCTAGCCATCGAGGGTCCCTCGGAAGCCAAGATGTCCTGCAAG-3'

ClinVar aggregate classification (germline): Pathogenic (1 of 4 stars; one submission).

Conditions:
Cardiovascular phenotype. Identifiers: MedGen CN230736.

Submission:

Ambry Genetics
Classification: Pathogenic for Cardiovascular phenotype. Last evaluated: 2023-11-03. Review status: criteria provided, single submitter. Criteria: Ambry Variant Classification Scheme 2023. Collection method: clinical testing. Allele origin: germline.
Comment: The c.4136delG pathogenic mutation, located in coding exon 24 of the FLNC gene, results from a deletion of one nucleotide at nucleotide position 4136, causing a translational frameshift with a predicted alternate stop codon (p.G1379Afs*7). This alteration is expected to result in loss of function by premature protein truncation or nonsense-mediated mRNA decay. This variant is considered to be rare based on population cohorts in the Genome Aggregation Database (gnomAD). Based on the supporting evidence, this variant is expected to be causative of FLNC-related dilated cardiomyopathy; however, its clinical significance for FLNC-related hypertrophy/restrictive cardiomyopathy and/or skeletal myopathy is unclear.